The following is an entry in ClinVar:

ClinVar aggregate classification (germline): Pathogenic/Likely pathogenic. Review status: criteria provided, multiple submitters, no conflicts (2 of 4 stars). 3 submissions from 3 submitters: Pathogenic (1); Likely pathogenic (2). Last evaluated 2026-06-10.

Conditions:
Cystinuria (CSNU). Also called: CYSTINURIA, TYPE I; CYSTINURIA, TYPE II; CYSTINURIA, TYPE III; Cystinuria, non-type I. Identifiers: Orphanet 214, MedGen C0010691, MONDO:0009067, OMIM 220100, HP:0003131.
SLC7A9-related disorder. Also called: SLC7A9-related condition.

Allele frequency attached by ClinVar (database versions not stated): gnomAD exomes 0.00002; gnomAD 0.00003 and 0.00004; TOPMed 0.00004; ESP Exome Variant Server 0.00008; ExAC 0.00002.
gnomAD v4.1: 40 of 1,614,094 alleles (0.0025%); highest among the groups gnomAD compares: South Asian, 0.0033%; no homozygotes.

Submissions (3):

PreventionGenetics, part of Exact Sciences
Classification: Likely pathogenic for SLC7A9-related condition. Last evaluated: 2026-06-10. Review status: criteria provided, single submitter. Criteria: ACMG Guidelines, 2015. Collection method: clinical testing. Allele origin: germline.
Comment: The SLC7A9 c.376G>A variant is predicted to result in the amino acid substitution p.Ala126Thr. This variant has been reported in the homozygous state or compound heterozygous state with a second SLC7A9 variant in multiple individuals with non-type 1 cystinuria and nephrolithiasis (Tostivint et al. 2017. PubMed ID: 28646536; Alghamdi et al. 2020. PubMed ID: 33262960; Supplemental table 3, Huang et al. 2022. PubMed ID: 35612621; Table S3, Gorukmez et al. 2023. PubMed ID: 36964972). This variant has also been reported in the heterozygous state in individuals with normal to mild urinary excretion of cysteine and dibasic amino acids (Font et al. 2001. PubMed ID: 11157794). This variant is reported in 0.0054% of alleles in individuals of European (Non-Finnish) descent in gnomAD. Taken together, this variant is interpreted as likely pathogenic.

Fulgent Genetics
Classification: Likely pathogenic for Cystinuria. Last evaluated: 2024-03-18. Review status: criteria provided, single submitter. Criteria: ACMG Guidelines, 2015. Collection method: clinical testing. Allele origin: germline.

Labcorp Genetics (formerly Invitae), Labcorp
Classification: Pathogenic. Last evaluated: 2022-10-27. Review status: criteria provided, single submitter. Criteria: Invitae Variant Classification Sherloc (09022015). Collection method: clinical testing. Allele origin: germline.
Comment: For these reasons, this variant has been classified as Pathogenic. Advanced modeling of protein sequence and biophysical properties (such as structural, functional, and spatial information, amino acid conservation, physicochemical variation, residue mobility, and thermodynamic stability) performed at Invitae indicates that this missense variant is not expected to disrupt SLC7A9 protein function. ClinVar contains an entry for this variant (Variation ID: 1364171). This missense change has been observed in individual(s) with cystinuria (PMID: 11157794, 28646536, 33262960). It has also been observed to segregate with disease in related individuals. This variant is present in population databases (rs372306844, gnomAD 0.006%). This sequence change replaces alanine, which is neutral and non-polar, with threonine, which is neutral and polar, at codon 126 of the SLC7A9 protein (p.Ala126Thr).

Literature cited by the submitters: PubMed 11157794 (cited by Labcorp Genetics (formerly Invitae), Labcorp); PubMed 28646536 (cited by Labcorp Genetics (formerly Invitae), Labcorp); PubMed 33262960 (cited by Labcorp Genetics (formerly Invitae), Labcorp).

NM_014270.5(SLC7A9):c.376G>A (p.Ala126Thr)

Gene: SLC7A9 (solute carrier family 7 member 9; minus strand). Cytogenetic location: 19q13.11.
Variant type: single nucleotide variant.
Coding change: c.376G>A on transcript NM_014270.5 (MANE Select); coding-DNA position 376, G replaced by A.
Protein change: p.Ala126Thr; replaces alanine 126 with threonine.
Molecular consequence: missense variant.
Genome position (GRCh38, 1-based): chr19:32,864,198, C>T on the plus strand (G>A on the coding strand, the complement: SLC7A9 is on the minus strand). VCF-style: chr19-32864198-C-T. GRCh37 (hg19) VCF-style: chr19-33355104-C-T.
Other names: c.376G>A (NM_014270.4); c.376G>A, p.Ala126Thr (NM_001126335.2, NM_001243036.2); short protein forms A126T.
Identifiers: ClinVar variation 1364171 (VCV001364171.8), dbSNP rs372306844, ClinGen allele CA9358857.